The following is an entry in ClinVar:

ClinVar aggregate classification (germline): Pathogenic. Review status: criteria provided, multiple submitters, no conflicts (2 of 4 stars). 6 submissions from 6 submitters: Pathogenic (5). 1 of the submissions does not count toward it. Last evaluated 2025-10-03.

Conditions:
Propionic acidemia (PROP). Also called: GLYCINEMIA, KETOTIC; HYPERGLYCINEMIA WITH KETOACIDOSIS AND LEUKOPENIA; KETOTIC HYPERGLYCINEMIA. Identifiers: Orphanet 35, MedGen C0268579, MONDO:0011628, OMIM 606054, HP:0003571.

Allele frequency attached by ClinVar (database versions not stated): gnomAD 0.00001; gnomAD exomes 0.00001; TOPMed 0.00001.
gnomAD v4.1: 10 of 1,560,902 alleles (0.00064%); highest among the groups gnomAD compares: African/African-American, 0.0027%; no homozygotes.

Submissions (6):

Labcorp Genetics (formerly Invitae), Labcorp
Classification: Pathogenic for Propionic acidemia. Last evaluated: 2025-10-03. Review status: criteria provided, single submitter. Criteria: Invitae Variant Classification Sherloc (09022015). Collection method: clinical testing. Allele origin: germline.
Comment: This sequence change replaces arginine, which is basic and polar, with tryptophan, which is neutral and slightly polar, at codon 165 of the PCCB protein (p.Arg165Trp). The frequency data for this variant in the population databases is considered unreliable, as metrics indicate poor data quality at this position in the gnomAD database. This missense change has been observed in individuals with propionic acidemia (PMID: 8295402, 9683601, 15059621, 15949719, 27227689). ClinVar contains an entry for this variant (Variation ID: 217894). Invitae Evidence Modeling of protein sequence and biophysical properties (such as structural, functional, and spatial information, amino acid conservation, physicochemical variation, residue mobility, and thermodynamic stability) indicates that this missense variant is expected to disrupt PCCB protein function with a positive predictive value of 95%. Experimental studies have shown that this missense change affects PCCB function (PMID: 11749052, 12007220, 12757933, 15890657). This variant disrupts the p.Arg165 amino acid residue in PCCB. Other variant(s) that disrupt this residue have been determined to be pathogenic (PMID: 11749052, 12757933). This suggests that this residue is clinically significant, and that variants that disrupt this residue are likely to be disease-causing. For these reasons, this variant has been classified as Pathogenic.

Natera, Inc.
Classification: Pathogenic for Propionic acidemia. Last evaluated: 2024-08-17. Review status: criteria provided, single submitter. Criteria: Natera Variant Classification Schema (03/2026). Collection method: clinical testing. Allele origin: germline.
Comment: The c.493C>T variant in PCCB is a missense variant predicted to cause substitution of arginine to tryptophan at amino acid 165. This variant is rare in the general population with a frequency below the threshold expected for the associated phenotype(s). This variant has been observed in one or more individuals affected with the associated recessive disease, as either homozygous or compound heterozygous with a second variant (PMID: 27227689, 35331292, 20549364). A different variant at the same position has been determined to be Pathogenic or Likely Pathogenic. Computational prediction algorithms indicate this variant is likely to affect gene or protein function. Given the available evidence, this variant is classified as Pathogenic.

Baylor Genetics
Classification: Pathogenic for Propionic acidemia. Last evaluated: 2024-03-27. Review status: criteria provided, single submitter. Criteria: ACMG Guidelines, 2015. Collection method: clinical testing. Allele origin: unknown.

Women's Health and Genetics/Laboratory Corporation of America, LabCorp
Classification: Pathogenic for Propionic acidemia. Last evaluated: 2021-11-08. Review status: criteria provided, single submitter. Criteria: LabCorp Variant Classification Summary - May 2015. Collection method: clinical testing. Allele origin: germline.
Comment: Variant summary: PCCB c.493C>T (p.Arg165Trp) results in a non-conservative amino acid change located in the Acetyl-coenzyme A carboxyltransferase, N-terminal (IPR0117622) of the encoded protein sequence. Five of five in-silico tools predict a damaging effect of the variant on protein function. The variant allele was found at a frequency of 5.9e-06 in 170272 control chromosomes (gnomAD). c.493C>T has been reported in the literature in multiple individuals affected with Propionic Acidemia (examples: Ohura_1993, Rodriguez-Pombo_1998, Yang_2004, Perez_2010, and Gupta_2016). These data indicate that the variant is associated with disease. Two clinical diagnostic laboratories have submitted clinical-significance assessments for this variant to ClinVar after 2014 and classified the variant as pathogenic (1) and likely pathogenic (1). Based on the evidence outlined above, the variant was classified as pathogenic.

Institute of Medical Genetics and Genomics, Sir Ganga Ram Hospital
Classification: Pathogenic for Propionic Acidemia. Review status: criteria provided, single submitter. Criteria: Gupta et al. (Genet Test Mol Biomarkers 2016). Collection method: research. Allele origin: germline. Affected: yes. Observed: 1 variant allele. Study: ORGANIC ACIDURIAS.
Comment: Missense mutation

Counsyl
Classification: Likely pathogenic for Propionic acidemia. Last evaluated: 2017-10-04. Review status: no assertion criteria provided. Collection method: clinical testing. Allele origin: unknown. Not counted in ClinVar's aggregate classification.

Literature cited by the submitters: PubMed 8295402 (cited by 3 submitters); PubMed 9683601 (cited by 3 submitters); PubMed 15059621 (cited by 3 submitters); PubMed 15949719 (cited by Labcorp Genetics (formerly Invitae), Labcorp); PubMed 27227689 (cited by 3 submitters); PubMed 11749052 (cited by Labcorp Genetics (formerly Invitae), Labcorp); PubMed 12007220 (cited by Labcorp Genetics (formerly Invitae), Labcorp and Counsyl); PubMed 12757933 (cited by Labcorp Genetics (formerly Invitae), Labcorp and Counsyl); PubMed 15890657 (cited by Labcorp Genetics (formerly Invitae), Labcorp and Counsyl); PubMed 35331292 (cited by Natera, Inc.); PubMed 20549364 (cited by Natera, Inc. and Women's Health and Genetics/Laboratory Corporation of America, LabCorp); PubMed 24059531 (cited by Counsyl).

NM_000532.5(PCCB):c.493C>T (p.Arg165Trp)

Gene: PCCB (propionyl-CoA carboxylase subunit beta; plus strand). Cytogenetic location: 3q22.3.
Variant type: single nucleotide variant.
Coding change: c.493C>T on transcript NM_000532.5 (MANE Select); coding-DNA position 493, C replaced by T.
Protein change: p.Arg165Trp; replaces arginine 165 with tryptophan.
Molecular consequence: missense variant.
Genome position (GRCh38, 1-based): chr3:136,262,015, C>T. VCF-style: chr3-136262015-C-T. GRCh37 (hg19) VCF-style: chr3-135980857-C-T.
Other names: c.553C>T, p.Arg185Trp (NM_001178014.2); short protein forms R165W, R185W.
Identifiers: ClinVar variation 217894 (VCV000217894.16), dbSNP rs879253815, ClinGen allele CA10575810.
Genomic context (GRCh38, chr3:136,262,015, plus strand): 5'-ATGGACCAGGCCATAACGGTGGGGGCTCCAGTGATTGGGCTGAATGACTCTGGGGGAGCA[C>T]GGATCCAAGAAGGAGTGGAGTCTTTGGCTGGCTATGCAGACATCTTTCTGGTGAGAAACC-3'
Protein context (NP_000523.2, residues 155-175): VIGLNDSGGA[Arg165Trp]IQEGVESLAG